The following is an entry in ClinVar:

NM_020911.2(PLXNA4):c.2907G>A (p.Gly969=)

Gene: PLXNA4 (plexin A4; minus strand). Cytogenetic location: 7q32.3.
Variant type: single nucleotide variant.
Coding change: c.2907G>A on transcript NM_020911.2 (MANE Select); coding-DNA position 2907, G replaced by A.
Protein change: p.Gly969=; no amino-acid change (glycine 969 retained).
Molecular consequence: synonymous variant.
Genome position (GRCh38, 1-based): chr7:132,187,557, C>T on the plus strand (G>A on the coding strand, the complement: PLXNA4 is on the minus strand). VCF-style: chr7-132187557-C-T. GRCh37 (hg19) VCF-style: chr7-131872316-C-T.
Other names: c.2907G>A, p.Gly969= (NM_001393897.1).
Identifiers: ClinVar variation 3031813 (VCV003031813.2), dbSNP rs369466076, ClinGen allele CA4489655.

ClinVar aggregate classification (germline): Likely benign (0 of 4 stars; one submission).

Conditions:
PLXNA4-related disorder. Also called: PLXNA4-related condition.

Allele frequency attached by ClinVar (database versions not stated): ExAC 0.00002; gnomAD exomes 0.00002; TOPMed 0.00005; ESP Exome Variant Server 0.00008; gnomAD 0.00008.
gnomAD v4.1: 43 of 1,614,042 alleles (0.0027%); highest among the groups gnomAD compares: Middle Eastern, 0.016%; no homozygotes.

Submission:

PreventionGenetics, part of Exact Sciences
Classification: Likely benign for PLXNA4-related condition. Last evaluated: 2022-06-07. Review status: no assertion criteria provided. Collection method: clinical testing. Allele origin: germline.
Comment: This variant is classified as likely benign based on ACMG/AMP sequence variant interpretation guidelines (Richards et al. 2015 PMID: 25741868, with internal and published modifications).